The following is an entry in ClinVar:

NM_170784.3(MKKS):c.1129A>G (p.Asn377Asp)

Gene: MKKS (MKKS centrosomal shuttling protein; minus strand). Cytogenetic location: 20p12.2.
Variant type: single nucleotide variant.
Coding change: c.1129A>G on transcript NM_170784.3 (MANE Select); coding-DNA position 1129, A replaced by G.
Protein change: p.Asn377Asp; replaces asparagine 377 with aspartic acid.
Molecular consequence: missense variant. On other transcripts: non-coding transcript variant (1).
Genome position (GRCh38, 1-based): chr20:10,408,660, T>C on the plus strand (A>G on the coding strand, the complement: MKKS is on the minus strand). VCF-style: chr20-10408660-T-C. GRCh37 (hg19) VCF-style: chr20-10389308-T-C.
Other names: c.1129A>G, p.Asn377Asp (NM_018848.3); short protein forms N377D.
Identifiers: ClinVar variation 965710 (VCV000965710.9), dbSNP rs754207459, ClinGen allele CA9763558.
Genomic context (GRCh38, chr20:10,408,660, plus strand): 5'-CATATGGAATTCAAAGTTCATTACCTACCTTCAGCTCATCCCAGGCAGTGTCATTTCTGT[T>C]GCAGAGAAGCAAGCTGCAGATTGTTGCTTCATTAGGAATAAGATGAAAAAAATGTTTGGA-3'
Protein context (NP_740754.1, residues 367-387): EATICSLLLC[Asn377Asp]RNDTAWDELK

ClinVar aggregate classification (germline): Uncertain significance. Review status: criteria provided, multiple submitters, no conflicts (2 of 4 stars). 3 submissions from 3 submitters: Uncertain significance (2). 1 of the submissions does not count toward it. Last evaluated 2024-10-18.

Conditions:
McKusick-Kaufman syndrome (MKKS). Also called: HYDROMETROCOLPOS SYNDROME; HYDROMETROCOLPOS, POSTAXIAL POLYDACTYLY, AND CONGENITAL HEART MALFORMATION. Identifiers: Orphanet 2473, MedGen C0948368, MONDO:0009367, OMIM 236700.
Bardet-Biedl syndrome (BBS). Identifiers: Orphanet 110, MedGen C0752166, MONDO:0015229.
MKKS-related disorder. Also called: MKKS-related condition; MKKS-related disorders.

Allele frequency attached by ClinVar (database versions not stated): TOPMed 0.00009; gnomAD 0.00011; ExAC 0.00012.
gnomAD v4.1: 211 of 1,613,972 alleles (0.013%); highest among the groups gnomAD compares: Non-Finnish European, 0.017%; no homozygotes.

Submissions (3):

Blueprint Genetics
Classification: Uncertain significance. Last evaluated: 2024-10-18. Review status: criteria provided, single submitter. Criteria: ACMG Guidelines, 2015. Collection method: clinical testing. Allele origin: germline.

Labcorp Genetics (formerly Invitae), Labcorp
Classification: Uncertain significance for McKusick-Kaufman syndrome; Bardet-Biedl syndrome. Last evaluated: 2022-05-25. Review status: criteria provided, single submitter. Criteria: Invitae Variant Classification Sherloc (09022015). Collection method: clinical testing. Allele origin: germline.
Comment: This sequence change replaces asparagine, which is neutral and polar, with aspartic acid, which is acidic and polar, at codon 377 of the MKKS protein (p.Asn377Asp). This variant is present in population databases (rs754207459, gnomAD 0.02%). This variant has not been reported in the literature in individuals affected with MKKS-related conditions. ClinVar contains an entry for this variant (Variation ID: 965710). Algorithms developed to predict the effect of missense changes on protein structure and function are either unavailable or do not agree on the potential impact of this missense change (SIFT: "Tolerated"; PolyPhen-2: "Possibly Damaging"; Align-GVGD: "Class C0"). In summary, the available evidence is currently insufficient to determine the role of this variant in disease. Therefore, it has been classified as a Variant of Uncertain Significance.

PreventionGenetics, part of Exact Sciences
Classification: Uncertain significance for MKKS-related condition. Last evaluated: 2024-05-29. Review status: no assertion criteria provided. Collection method: clinical testing. Allele origin: germline. Not counted in ClinVar's aggregate classification.
Comment: The MKKS c.1129A>G variant is predicted to result in the amino acid substitution p.Asn377Asp. To our knowledge, this variant has not been reported in the literature. This variant is reported in 0.024% of alleles in individuals of European (Finnish) descent in gnomAD. At this time, the clinical significance of this variant is uncertain due to the absence of conclusive functional and genetic evidence.